The following is an entry in ClinVar:

NM_001001557.4(GDF6):c.715G>A (p.Glu239Lys)

Gene: GDF6 (growth differentiation factor 6; minus strand). Cytogenetic location: 8q22.1.
Variant type: single nucleotide variant.
Coding change: c.715G>A on transcript NM_001001557.4 (MANE Select); coding-DNA position 715, G replaced by A.
Protein change: p.Glu239Lys; replaces glutamic acid 239 with lysine.
Molecular consequence: missense variant.
Genome position (GRCh38, 1-based): chr8:96,145,216, C>T on the plus strand (G>A on the coding strand, the complement: GDF6 is on the minus strand). VCF-style: chr8-96145216-C-T. GRCh37 (hg19) VCF-style: chr8-97157444-C-T.
Other names: short protein forms E239K.
Identifiers: ClinVar variation 2049811 (VCV002049811.4), dbSNP rs1407352914, ClinGen allele CA371752008.
Genomic context (GRCh38, chr8:96,145,216, plus strand): 5'-CCGGGGGCGGCGGTTGCTGGGGTCCCCGCGCGCGCGCCTCGGCCTCCCCGGCGTCCAGCT[C>T]GCCCCATGCGGCCCGCAGCTCCAAGCACAGCTGCTTCCAGGGCTGGTGGCGCAGGCCCTG-3'
Protein context (NP_001001557.1, residues 229-249): LCLELRAAWG[Glu239Lys]LDAGEAEARA

ClinVar aggregate classification (germline): Uncertain significance (1 of 4 stars; one submission).

Conditions:
Isolated microphthalmia 4. Identifiers: Orphanet 2542, MedGen C2751307, MONDO:0013130, OMIM 613094.
Microphthalmia, isolated, with coloboma 6 (MCOPCB6). Also called: MICROPHTHALMIA/COLOBOMA 6; Microphthalmia with coloboma 6, digenic; Microphthalmia with coloboma 6. Identifiers: Orphanet 98938, MedGen C3150968, MONDO:0013376, OMIM 613703.
Leber congenital amaurosis 17 (LCA17). Identifiers: Orphanet 65, MedGen C3715164, MONDO:0014145, OMIM 615360.
Klippel-Feil syndrome 1, autosomal dominant (KFS1). Also called: CERVICAL VERTEBRAL FUSION, AUTOSOMAL DOMINANT. Identifiers: Orphanet 2345, MedGen C1861689, MONDO:0007306, OMIM 118100.

Allele frequency attached by ClinVar (database versions not stated): gnomAD exomes below 0.00001.
gnomAD v4.1: 1 of 1,510,722 alleles (0.000066%); highest among the groups gnomAD compares: Admixed American, 0.002%; no homozygotes.

Submission:

Labcorp Genetics (formerly Invitae), Labcorp
Classification: Uncertain significance for Isolated microphthalmia 4; Leber congenital amaurosis 17; Klippel-Feil syndrome 1, autosomal dominant; Microphthalmia, isolated, with coloboma 6. Last evaluated: 2024-11-14. Review status: criteria provided, single submitter. Criteria: Invitae Variant Classification Sherloc (09022015). Collection method: clinical testing. Allele origin: germline.
Comment: This sequence change replaces glutamic acid, which is acidic and polar, with lysine, which is basic and polar, at codon 239 of the GDF6 protein (p.Glu239Lys). The frequency data for this variant in the population databases is considered unreliable, as metrics indicate poor data quality at this position in the gnomAD database. This variant has not been reported in the literature in individuals affected with GDF6-related conditions. ClinVar contains an entry for this variant (Variation ID: 2049811). An algorithm developed to predict the effect of missense changes on protein structure and function (PolyPhen-2) suggests that this variant is likely to be tolerated. In summary, the available evidence is currently insufficient to determine the role of this variant in disease. Therefore, it has been classified as a Variant of Uncertain Significance.